The following is an entry in ClinVar:

NM_014339.7(IL17RA):c.2038G>T (p.Ala680Ser)

Gene: IL17RA (interleukin 17 receptor A; plus strand). Cytogenetic location: 22q11.1.
Variant type: single nucleotide variant.
Coding change: c.2038G>T on transcript NM_014339.7 (MANE Select); coding-DNA position 2038, G replaced by T.
Protein change: p.Ala680Ser; replaces alanine 680 with serine.
Molecular consequence: missense variant.
Genome position (GRCh38, 1-based): chr22:17,109,257, G>T. VCF-style: chr22-17109257-G-T. GRCh37 (hg19) VCF-style: chr22-17590147-G-T.
Other names: c.1936G>T, p.Ala646Ser (NM_001289905.2); c.2038G>T (NM_014339.5); short protein forms A680S, A646S.
Identifiers: ClinVar variation 340605 (VCV000340605.15), dbSNP rs181468995, ClinGen allele CA10086889.
Genomic context (GRCh38, chr22:17,109,257, plus strand): 5'-CCAGCGCCGCAGCCCCTCCACACCCTGGTGCTCGCCGCAGAGGAGGGGGCCCTGGTGGCC[G>T]CGGTGGAGCCTGGGCCCCTGGCTGACGGTGCCGCAGTCCGGCTGGCACTGGCGGGGGAGG-3'
Protein context (NP_055154.3, residues 670-690): LAAEEGALVA[Ala680Ser]VEPGPLADGA

ClinVar aggregate classification (germline): Uncertain significance. Review status: criteria provided, multiple submitters, no conflicts (2 of 4 stars). 6 submissions from 6 submitters: Uncertain significance (6). Last evaluated 2025-02-23.

Conditions:
Immunodeficiency 51 (IMD51). Also called: CANDIDIASIS, FAMILIAL, 5. Identifiers: Orphanet 1334, MedGen C4310803, MONDO:0013500, OMIM 613953.

Allele frequency attached by ClinVar (database versions not stated): ExAC below 0.00001; TOPMed 0.00003; gnomAD exomes 0.00018; 1000 Genomes Project 30x 0.00031; 1000 Genomes Project 0.00040.
gnomAD v4.1: 164 of 1,496,218 alleles (0.011%); highest among the groups gnomAD compares: East Asian, 0.39%; no homozygotes.

Submissions (6):

Ambry Genetics
Classification: Uncertain significance. Last evaluated: 2025-02-23. Review status: criteria provided, single submitter. Criteria: Ambry Variant Classification Scheme 2023. Collection method: clinical testing. Allele origin: germline.

Blueprint Genetics
Classification: Uncertain significance. Last evaluated: 2024-04-16. Review status: criteria provided, single submitter. Criteria: ACMG Guidelines, 2015. Collection method: clinical testing. Allele origin: germline.

Labcorp Genetics (formerly Invitae), Labcorp
Classification: Uncertain significance for Immunodeficiency 51. Last evaluated: 2023-03-26. Review status: criteria provided, single submitter. Criteria: Invitae Variant Classification Sherloc (09022015). Collection method: clinical testing. Allele origin: germline.
Comment: In summary, the available evidence is currently insufficient to determine the role of this variant in disease. Therefore, it has been classified as a Variant of Uncertain Significance. Advanced modeling of protein sequence and biophysical properties (such as structural, functional, and spatial information, amino acid conservation, physicochemical variation, residue mobility, and thermodynamic stability) performed at Invitae indicates that this missense variant is not expected to disrupt IL17RA protein function. ClinVar contains an entry for this variant (Variation ID: 340605). This variant has not been reported in the literature in individuals affected with IL17RA-related conditions. This variant is present in population databases (rs181468995, gnomAD 0.2%). This sequence change replaces alanine, which is neutral and non-polar, with serine, which is neutral and polar, at codon 680 of the IL17RA protein (p.Ala680Ser).

Fulgent Genetics
Classification: Uncertain significance for Immunodeficiency 51. Last evaluated: 2021-09-13. Review status: criteria provided, single submitter. Criteria: ACMG Guidelines, 2015. Collection method: clinical testing. Allele origin: unknown.

Illumina Laboratory Services, Illumina
Classification: Uncertain significance for Immunodeficiency 51. Last evaluated: 2018-01-13. Review status: criteria provided, single submitter. Criteria: ICSL Variant Classification Criteria 13 December 2019. Collection method: clinical testing. Allele origin: germline.

Breakthrough Genomics
Classification: Uncertain significance. Review status: criteria provided, single submitter. Criteria: ACMG Guidelines, 2015. Collection method: not provided. Allele origin: germline. Inheritance: Autosomal dominant inheritance. Affected: yes.